The following is an entry in ClinVar:

NM_006231.4(POLE):c.6597C>A (p.Ile2199=)

Gene: POLE (DNA polymerase epsilon, catalytic subunit; minus strand). Cytogenetic location: 12q24.33.
Variant type: single nucleotide variant.
Coding change: c.6597C>A on transcript NM_006231.4 (MANE Select); coding-DNA position 6597, C replaced by A.
Protein change: p.Ile2199=; no amino-acid change (isoleucine 2199 retained).
Molecular consequence: synonymous variant.
Genome position (GRCh38, 1-based): chr12:132,625,705, G>T on the plus strand (C>A on the coding strand, the complement: POLE is on the minus strand). VCF-style: chr12-132625705-G-T. GRCh37 (hg19) VCF-style: chr12-133202291-G-T.
Identifiers: ClinVar variation 405855 (VCV000405855.20), dbSNP rs147611144, ClinGen allele CA6892124.

ClinVar aggregate classification (germline): Likely benign. Review status: criteria provided, multiple submitters, no conflicts (2 of 4 stars). 4 submissions from 4 submitters: Likely benign (4). Last evaluated 2025-12-01.

Conditions:
Hereditary cancer-predisposing syndrome. Also called: Neoplastic Syndromes, Hereditary; Hereditary neoplastic syndrome; Tumor predisposition; Hereditary Cancer Syndrome. Identifiers: Orphanet 140162, MedGen C0027672, MeSH D009386, MONDO:0015356.

gnomAD v4.1: 34 of 1,613,572 alleles (0.0021%); highest among the groups gnomAD compares: Non-Finnish European, 0.0024%; no homozygotes.

Submissions (4):

CeGaT Center for Human Genetics Tuebingen
Classification: Likely benign. Last evaluated: 2025-12-01. Review status: criteria provided, single submitter. Criteria: CeGaT Center For Human Genetics Tuebingen Variant Classification Criteria Version 2. Collection method: clinical testing. Allele origin: germline. Affected: yes. Observed: 1 variant allele.
Comment: POLE: BP4, BP7

Labcorp Genetics (formerly Invitae), Labcorp
Classification: Likely benign. Last evaluated: 2025-11-26. Review status: criteria provided, single submitter. Criteria: Invitae Variant Classification Sherloc (09022015). Collection method: clinical testing. Allele origin: germline.

Center for Genomic Medicine, Rigshospitalet, Copenhagen University Hospital
Classification: Likely benign. Last evaluated: 2025-03-04. Review status: criteria provided, single submitter. Criteria: ACMG Guidelines, 2015. Collection method: clinical testing. Allele origin: germline.

Ambry Genetics
Classification: Likely benign for Hereditary cancer-predisposing syndrome. Last evaluated: 2016-07-18. Review status: criteria provided, single submitter. Criteria: Ambry Variant Classification Scheme 2023. Collection method: clinical testing. Allele origin: germline.